The following is an entry in ClinVar:

ClinVar aggregate classification (germline): Likely benign. Review status: criteria provided, single submitter (1 of 4 stars). 2 submissions from 2 submitters: Likely benign (1). 1 of the submissions does not count toward it. Last evaluated 2025-01-15.

Conditions:
CEP120-related disorder. Also called: CEP120-Related Disorders; CEP120-related condition.
Short-rib thoracic dysplasia 13 with or without polydactyly (SRTD13). Identifiers: Orphanet 474, MedGen C4225378, MONDO:0014577, OMIM 616300.

Allele frequency attached by ClinVar (database versions not stated): ExAC 0.00001; ESP Exome Variant Server 0.00008.
gnomAD v4.1: 26 of 1,612,684 alleles (0.0016%); highest among the groups gnomAD compares: Non-Finnish European, 0.0021%; no homozygotes.

Submissions (2):

Labcorp Genetics (formerly Invitae), Labcorp
Classification: Likely benign for Short-rib thoracic dysplasia 13 with or without polydactyly. Last evaluated: 2025-01-15. Review status: criteria provided, single submitter. Criteria: Invitae Variant Classification Sherloc (09022015). Collection method: clinical testing. Allele origin: germline.

PreventionGenetics, part of Exact Sciences
Classification: Likely benign for CEP120-related condition. Last evaluated: 2021-08-03. Review status: no assertion criteria provided. Collection method: clinical testing. Allele origin: germline. Not counted in ClinVar's aggregate classification.
Comment: This variant is classified as likely benign based on ACMG/AMP sequence variant interpretation guidelines (Richards et al. 2015 PMID: 25741868, with internal and published modifications).

NM_001375405.1(CEP120):c.464-8C>T

Gene: CEP120 (centrosomal protein 120; minus strand). Cytogenetic location: 5q23.2.
Variant type: single nucleotide variant.
Coding change: c.464-8C>T on transcript NM_001375405.1 (MANE Select); 8 bases into the intron before coding-DNA position 464, C replaced by T.
Molecular consequence: intron variant.
Genome position (GRCh38, 1-based): chr5:123,399,292, G>A on the plus strand (C>T on the coding strand, the complement: CEP120 is on the minus strand). VCF-style: chr5-123399292-G-A. GRCh37 (hg19) VCF-style: chr5-122734986-G-A.
Other names: c.386-8C>T (NM_001166226.2); c.464-8C>T (NM_153223.4, NM_001375406.1, NM_001375407.1); c.-110-8C>T (NM_001375408.1, NM_001375409.1).
Identifiers: ClinVar variation 3051363 (VCV003051363.4), dbSNP rs371434084, ClinGen allele CA3387211.
Genomic context (GRCh38, chr5:123,399,292, plus strand): 5'-ATTCAGCACAGCCACAATGTCCCTGGGGTCAAGTCCAGCCAGGATGGCAGGTACTTTACA[G>A]AGAAAAACACGATTAAACTACATTGTAGTTTGTCATAAACCATTATAAGATTTTTAAAAC-3'